The following is an entry in ClinVar:

NM_002180.3(IGHMBP2):c.1022G>A (p.Ser341Asn)

Gene: IGHMBP2 (immunoglobulin mu DNA binding protein 2; plus strand). Cytogenetic location: 11q13.3.
Variant type: single nucleotide variant.
Coding change: c.1022G>A on transcript NM_002180.3 (MANE Select); coding-DNA position 1022, G replaced by A.
Protein change: p.Ser341Asn; replaces serine 341 with asparagine.
Molecular consequence: missense variant.
Genome position (GRCh38, 1-based): chr11:68,917,845, G>A. VCF-style: chr11-68917845-G-A. GRCh37 (hg19) VCF-style: chr11-68685313-G-A.
Other names: c.1022G>A (NM_002180.2); short protein forms S341N.
Identifiers: ClinVar variation 1021055 (VCV001021055.7), dbSNP rs1022216138, ClinGen allele CA223395139.

ClinVar aggregate classification (germline): Uncertain significance. Review status: criteria provided, multiple submitters, no conflicts (2 of 4 stars). 2 submissions from 2 submitters: Uncertain significance (2). Last evaluated 2025-08-22.

Conditions:
Autosomal recessive distal spinal muscular atrophy 1. Also called: SEVERE INFANTILE AXONAL NEUROPATHY WITH RESPIRATORY FAILURE; SPINAL MUSCULAR ATROPHY, DIAPHRAGMATIC; HMN VI; NEURONOPATHY, SEVERE INFANTILE AXONAL, WITH RESPIRATORY FAILURE; NEURONOPATHY, DISTAL HEREDITARY MOTOR, HARDING TYPE VI; NEUROPATHY, DISTAL HEREDITARY MOTOR, AUTOSOMAL RECESSIVE 1. Identifiers: Orphanet 98920, MedGen C1858517, MONDO:0011436, OMIM 604320.
Charcot-Marie-Tooth disease axonal type 2S. Also called: CHARCOT-MARIE-TOOTH DISEASE, AXONAL, AUTOSOMAL RECESSIVE, TYPE 2S; CHARCOT-MARIE-TOOTH NEUROPATHY, TYPE 2S. Identifiers: Orphanet 443073, MedGen C4015349, MONDO:0014511, OMIM 616155.
Inborn genetic diseases. Identifiers: MedGen C0950123, MeSH D030342.

Allele frequency attached by ClinVar (database versions not stated): gnomAD exomes below 0.00001; gnomAD 0.00001; TOPMed 0.00001.
gnomAD v4.1: 7 of 1,614,028 alleles (0.00043%); highest among the groups gnomAD compares: Middle Eastern, 0.016%; no homozygotes.

Submissions (2):

Ambry Genetics
Classification: Uncertain significance for Inborn genetic diseases. Last evaluated: 2025-08-22. Review status: criteria provided, single submitter. Criteria: Ambry Variant Classification Scheme 2023. Collection method: clinical testing. Allele origin: germline.

Labcorp Genetics (formerly Invitae), Labcorp
Classification: Uncertain significance for Autosomal recessive distal spinal muscular atrophy 1; Charcot-Marie-Tooth disease axonal type 2S. Last evaluated: 2022-06-23. Review status: criteria provided, single submitter. Criteria: Invitae Variant Classification Sherloc (09022015). Collection method: clinical testing. Allele origin: germline.
Comment: This sequence change replaces serine, which is neutral and polar, with asparagine, which is neutral and polar, at codon 341 of the IGHMBP2 protein (p.Ser341Asn). The frequency data for this variant in the population databases is considered unreliable, as metrics indicate poor data quality at this position in the gnomAD database. This variant has not been reported in the literature in individuals affected with IGHMBP2-related conditions. ClinVar contains an entry for this variant (Variation ID: 1021055). Advanced modeling of protein sequence and biophysical properties (such as structural, functional, and spatial information, amino acid conservation, physicochemical variation, residue mobility, and thermodynamic stability) performed at Invitae indicates that this missense variant is not expected to disrupt IGHMBP2 protein function. In summary, the available evidence is currently insufficient to determine the role of this variant in disease. Therefore, it has been classified as a Variant of Uncertain Significance.